The following is an entry in ClinVar:

ClinVar aggregate classification (germline): Likely benign. Review status: criteria provided, multiple submitters, no conflicts (2 of 4 stars). 2 submissions from 2 submitters: Likely benign (2). Last evaluated 2024-10-08.

Conditions:
Familial cancer of breast. Also called: Hereditary breast cancer; BREAST CANCER, FAMILIAL; hereditary breast carcinoma. Identifiers: Orphanet 227535, MedGen C0346153, MONDO:0016419, OMIM 114480. Disease mechanism: loss of function.

Submissions (2):

Myriad Genetics, Inc.
Classification: Likely benign for Familial cancer of breast. Last evaluated: 2024-10-08. Review status: criteria provided, single submitter. Criteria: Myriad Autosomal Dominant, Autosomal Recessive and X-Linked Classification Criteria (2023). Collection method: clinical testing. Allele origin: unknown.
Comment: This variant is considered likely benign. This variant is intronic and is not expected to impact mRNA splicing.

Labcorp Genetics (formerly Invitae), Labcorp
Classification: Likely benign for Familial cancer of breast. Last evaluated: 2022-07-02. Review status: criteria provided, single submitter. Criteria: Invitae Variant Classification Sherloc (09022015). Collection method: clinical testing. Allele origin: germline.

NM_007194.4(CHEK2):c.1376-11T>C

Gene: CHEK2 (checkpoint kinase 2; minus strand). Cytogenetic location: 22q12.1.
Variant type: single nucleotide variant.
Coding change: c.1376-11T>C on transcript NM_007194.4 (MANE Select); 11 bases into the intron before coding-DNA position 1376, T replaced by C.
Molecular consequence: intron variant.
Genome position (GRCh38, 1-based): chr22:28,694,128, A>G on the plus strand (T>C on the coding strand, the complement: CHEK2 is on the minus strand). VCF-style: chr22-28694128-A-G. GRCh37 (hg19) VCF-style: chr22-29090116-A-G.
Other names: c.713-11T>C (NM_001437942.1, NM_001257387.3); c.1175-11T>C (NM_001349956.3); c.1289-11T>C (NM_145862.3); c.1382-11T>C (NM_001438295.1); c.1469-11T>C (NM_001438293.1); c.1418-11T>C (NM_001438294.1); c.1505-11T>C (NM_001005735.3).
Identifiers: ClinVar variation 2013212 (VCV002013212.5), dbSNP rs2145786890, ClinGen allele CA2580099393.
Genomic context (GRCh38, chr22:28,694,128, plus strand): 5'-AAAACGTGCCTTTGGATCCACTACCAACAACTTCTTGACAAGGTCCAGAGCTAAAGCAAC[A>G]ATTGGGCAAATCACAGTGAAAAGGATAAATATATTATCAGTAAGAGTATGCCAGAATTAA-3'